The following is an entry in ClinVar:

ClinVar aggregate classification (germline): Conflicting classifications of pathogenicity. Review status: criteria provided, conflicting classifications (1 of 4 stars). 3 submissions from 3 submitters: Likely pathogenic (1); Uncertain significance (1). 1 of the submissions does not count toward it. Last evaluated 2022-04-30.

Conditions:
Familial Mediterranean fever (FMF). Also called: POLYSEROSITIS, FAMILIAL PAROXYSMAL; POLYSEROSITIS, RECURRENT; Periodic peritonitis; Benign paroxysmal peritonitis. Identifiers: Orphanet 342, MedGen C0031069, MONDO:0018088, OMIM 249100. Disease mechanism: gain of function.

Allele frequency attached by ClinVar (database versions not stated): ExAC 0.00001; TOPMed 0.00001.
gnomAD v4.1: 3 of 1,614,134 alleles (0.00019%); highest among the groups gnomAD compares: Admixed American, 0.0017%; no homozygotes.

Submissions (3):

Labcorp Genetics (formerly Invitae), Labcorp
Classification: Uncertain significance for Familial Mediterranean fever. Last evaluated: 2022-04-30. Review status: criteria provided, single submitter. Criteria: Invitae Variant Classification Sherloc (09022015). Collection method: clinical testing. Allele origin: germline.
Comment: This sequence change replaces lysine, which is basic and polar, with asparagine, which is neutral and polar, at codon 695 of the MEFV protein (p.Lys695Asn). This variant is present in population databases (rs104895208, gnomAD 0.003%). This missense change has been observed in individual(s) with clinical features of familial Mediterranean fever (PMID: 21413889, 24469716). ClinVar contains an entry for this variant (Variation ID: 97490). Algorithms developed to predict the effect of missense changes on protein structure and function are either unavailable or do not agree on the potential impact of this missense change (SIFT: "Tolerated"; PolyPhen-2: "Possibly Damaging"; Align-GVGD: "Class C0"). In summary, the available evidence is currently insufficient to determine the role of this variant in disease. Therefore, it has been classified as a Variant of Uncertain Significance.

ARUP Laboratories, Molecular Genetics and Genomics, ARUP Laboratories
Classification: Likely pathogenic. Last evaluated: 2019-05-16. Review status: criteria provided, single submitter. Criteria: ARUP Molecular Germline Variant Investigation Process. Collection method: clinical testing. Allele origin: germline.
Comment: The MEFV c.2085G>C; p.Lys695Asn variant (rs104895208) is reported in the medical literature in individuals with familial Mediterranean fever (Berdeli 2011, Oztuzcu 2014). This variant is considered likely pathogenic by an expert group (Van Gijn 2018). Another variant in this codon, p.Lys695Arg, is considered pathogenic but may exhibit reduced penetrance (Bernot 1998). The c.2085G>C; p.Lys695Asn variant is listed in the ClinVar database (Variation ID: 97490) and in 2 out of 251486 alleles in the Genome Aggregation Database, indicating it is not a common polymorphism. The amino acid at this position is moderately conserved and is located in the SPRY domain, but computational analyses (SIFT: Tolerated, PolyPhen-2: Possibly Damaging) predict conflicting effects of this variant on protein structure/function. Most pathogenic MEFV variants occur in the SPRY domain (Manukyan 2016). Considering available information, this variant is classified as likely pathogenic. References: Berdeli A et al. Comprehensive analysis of a large-scale screen for MEFV gene mutations: do they truly provide a heterozygote advantage" in Turkey? Genet Test Mol Biomarkers. 2011 Jul-Aug;15(7-8):475-82. Bernot et al. Non-founder mutations in the MEFV gene establish this gene as the cause of familial Mediterranean fever (FMF). Hum Mol Genet. 1998 7(8):1317-25. Manukyan G and Aminov R Update on Pyrin Functions and Mechanisms of Familial Mediterranean Fever. Front. Microbiol. 2016 7:456. Oztuzcu S et al. Screening of common and novel familial mediterranean fever mutations in south-east part of Turkey. Mol Biol Rep. 2014;41(4):2601-7. Van Gijn ME et al. New workflow for classification of genetic variants' pathogenicity applied to hereditary recurrent fevers by the International Study Group for Systemic Autoinflammatory Diseases (INSAID). J Med Genet. 2018 Aug;55(8):530-537. "

Unité médicale des maladies autoinflammatoires, CHRU Montpellier
No classification provided. Condition: Familial Mediterranean fever. Review status: no classification provided. Collection method: not provided. Allele origin: unknown. Not counted in ClinVar's aggregate classification.

Literature cited by the submitters: PubMed 21413889 (cited by Labcorp Genetics (formerly Invitae), Labcorp); PubMed 24469716 (cited by Labcorp Genetics (formerly Invitae), Labcorp).

NM_000243.3(MEFV):c.2085G>C (p.Lys695Asn)

Genes: MEFV (MEFV innate immunity regulator, pyrin; minus strand), LOC126862264 (CDK7 strongly-dependent group 2 enhancer GRCh37_chr16:3293322-3294521; plus strand). Cytogenetic location: 16p13.3.
Variant type: single nucleotide variant.
Coding change: c.2085G>C on transcript NM_000243.3 (MANE Select); coding-DNA position 2085, G replaced by C.
Protein change: p.Lys695Asn; replaces lysine 695 with asparagine.
Molecular consequence: missense variant. On other transcripts: 3 prime UTR variant (1).
Genome position (GRCh38, 1-based): chr16:3,243,402, C>G on the plus strand (G>C on the coding strand, the complement: MEFV is on the minus strand). VCF-style: chr16-3243402-C-G. GRCh37 (hg19) VCF-style: chr16-3293402-C-G.
Other names: c.*289G>C (NM_001198536.2); short protein forms K695N.
Identifiers: ClinVar variation 97490 (VCV000097490.10), dbSNP rs104895208, ClinGen allele CA280514.